The following is an entry in ClinVar:

ClinVar aggregate classification (germline): Uncertain significance. Review status: criteria provided, multiple submitters, no conflicts (2 of 4 stars). 4 submissions from 4 submitters: Uncertain significance (4). Last evaluated 2022-10-28.

Conditions:
Autosomal recessive limb-girdle muscular dystrophy type 2K. Also called: MUSCULAR DYSTROPHY-DYSTROGLYCANOPATHY (LIMB-GIRDLE), TYPE C, 1; MUSCULAR DYSTROPHY, LIMB-GIRDLE, TYPE 2K. Identifiers: Orphanet 86812, MedGen C1836373, MONDO:0012248, OMIM 609308.
Walker-Warburg congenital muscular dystrophy. Also called: Muscular dystrophy-dystroglycanopathy, type A; Walker-Warburg syndrome. Identifiers: Orphanet 899, MedGen C0265221, MONDO:0000171.
Muscular dystrophy-dystroglycanopathy (congenital with impaired intellectual development), type B, 1. Also called: Muscular dystrophy-dystroglycanopathy (congenital with intellectual disability), type B1; MUSCULAR DYSTROPHY, CONGENITAL, POMT1-RELATED. Identifiers: MedGen C5436962, MONDO:0013159, OMIM 613155.
Inborn genetic diseases. Identifiers: MedGen C0950123, MeSH D030342.

Allele frequency attached by ClinVar (database versions not stated): TOPMed 0.00008; ExAC 0.00005; gnomAD 0.00007 and 0.00006; gnomAD exomes 0.00004 and 0.00002; 1000 Genomes Project 30x 0.00016; ESP Exome Variant Server 0.00031; 1000 Genomes Project 0.00020.

Submissions (4):

Labcorp Genetics (formerly Invitae), Labcorp
Classification: Uncertain significance for Muscular dystrophy-dystroglycanopathy (congenital with impaired intellectual development), type B, 1; Walker-Warburg congenital muscular dystrophy; Autosomal recessive limb-girdle muscular dystrophy type 2K. Last evaluated: 2022-10-28. Review status: criteria provided, single submitter. Criteria: Invitae Variant Classification Sherloc (09022015). Collection method: clinical testing. Allele origin: germline.
Comment: This sequence change replaces arginine, which is basic and polar, with histidine, which is basic and polar, at codon 410 of the POMT1 protein (p.Arg410His). This variant is present in population databases (rs138640226, gnomAD 0.03%). This variant has not been reported in the literature in individuals affected with POMT1-related conditions. ClinVar contains an entry for this variant (Variation ID: 575771). Advanced modeling of protein sequence and biophysical properties (such as structural, functional, and spatial information, amino acid conservation, physicochemical variation, residue mobility, and thermodynamic stability) performed at Invitae indicates that this missense variant is not expected to disrupt POMT1 protein function. In summary, the available evidence is currently insufficient to determine the role of this variant in disease. Therefore, it has been classified as a Variant of Uncertain Significance.

Ambry Genetics
Classification: Uncertain significance for Inborn genetic diseases. Last evaluated: 2021-08-23. Review status: criteria provided, single submitter. Criteria: Ambry Variant Classification Scheme 2023. Collection method: clinical testing. Allele origin: germline.

Revvity Omics, Revvity
Classification: Uncertain significance. Last evaluated: 2019-05-16. Review status: criteria provided, single submitter. Criteria: ACMG Guidelines, 2015. Collection method: clinical testing. Allele origin: germline.

Eurofins Ntd Llc (ga)
Classification: Uncertain significance. Last evaluated: 2017-07-17. Review status: criteria provided, single submitter. Criteria: EGL Classification Definitions 2015. Collection method: clinical testing. Allele origin: germline. Observed: 1 variant allele, 1 heterozygote.

NM_001077365.2(POMT1):c.1163G>A (p.Arg388His)

Gene: POMT1 (protein O-mannosyltransferase 1; plus strand). Cytogenetic location: 9q34.13.
Variant type: single nucleotide variant.
Coding change: c.1163G>A on transcript NM_001077365.2 (MANE Select); coding-DNA position 1163, G replaced by A.
Protein change: p.Arg388His; replaces arginine 388 with histidine.
Molecular consequence: missense variant. On other transcripts: non-coding transcript variant (10), intron variant (1).
Genome position (GRCh38, 1-based): chr9:131,513,319, G>A. VCF-style: chr9-131513319-G-A. GRCh37 (hg19) VCF-style: chr9-134388706-G-A.
Other names: c.812G>A, p.Arg271His (NM_001374691.1, NM_001374692.1, NM_001136114.2 and 1 more transcripts); c.773G>A, p.Arg258His (NM_001374695.1); c.1229G>A, p.Arg410His (NM_007171.4, NM_001353193.2); c.824+1852G>A (NM_001374693.1); c.1001G>A, p.Arg334His (NM_001077366.2, NM_001353194.2); c.1163G>A, p.Arg388His (NM_001136113.2, NM_001374690.1); c.1073G>A, p.Arg358His (NM_001353196.2); c.1067G>A, p.Arg356His (NM_001353197.2, NM_001353198.2); and 3 more; short protein forms R410H, R356H, R271H, R293H, R334H, R358H, R388H, R236H.
Identifiers: ClinVar variation 575771 (VCV000575771.16), dbSNP rs138640226, ClinGen allele CA5293555.